The following is an entry in ClinVar:

ClinVar aggregate classification (germline): Uncertain significance (1 of 4 stars; one submission).

Submission:

Labcorp Genetics (formerly Invitae), Labcorp
Classification: Uncertain significance. Last evaluated: 2025-08-21. Review status: criteria provided, single submitter. Criteria: Invitae Variant Classification Sherloc (09022015). Collection method: clinical testing. Allele origin: germline.
Comment: This sequence change replaces lysine, which is basic and polar, with asparagine, which is neutral and polar, at codon 315 of the FAM111A protein (p.Lys315Asn). This variant is present in population databases (no rsID available, gnomAD 0.003%). This variant has not been reported in the literature in individuals affected with FAM111A-related conditions. ClinVar contains an entry for this variant (Variation ID: 3684273). Invitae Evidence Modeling of protein sequence and biophysical properties (such as structural, functional, and spatial information, amino acid conservation, physicochemical variation, residue mobility, and thermodynamic stability) indicates that this missense variant is not expected to disrupt FAM111A protein function with a negative predictive value of 80%. In summary, the available evidence is currently insufficient to determine the role of this variant in disease. Therefore, it has been classified as a Variant of Uncertain Significance.

NM_001312909.2(FAM111A):c.945G>C (p.Lys315Asn)

Genes: FAM111A (FAM111 trypsin like peptidase A; plus strand), LOC130005740 (ATAC-STARR-seq lymphoblastoid active region 4748; plus strand). Cytogenetic location: 11q12.1.
Variant type: single nucleotide variant.
Coding change: c.945G>C on transcript NM_001312909.2 (MANE Select); coding-DNA position 945, G replaced by C.
Protein change: p.Lys315Asn; replaces lysine 315 with asparagine.
Molecular consequence: missense variant.
Genome position (GRCh38, 1-based): chr11:59,152,613, G>C. VCF-style: chr11-59152613-G-C. GRCh37 (hg19) VCF-style: chr11-58920086-G-C.
Other names: c.945G>C, p.Lys315Asn (NM_001374851.1, NM_001374852.1, NM_001374863.1 and 29 more transcripts); short protein forms K315N.
Identifiers: ClinVar variation 3684273 (VCV003684273.2).